The following is an entry in ClinVar:

ClinVar aggregate classification (germline): Uncertain significance. Review status: criteria provided, multiple submitters, no conflicts (2 of 4 stars). 2 submissions from 2 submitters: Uncertain significance (2). Last evaluated 2022-01-27.

Conditions:
Alstrom syndrome (ALMS). Identifiers: Orphanet 64, MedGen C0268425, MONDO:0008763, OMIM 203800.

Allele frequency attached by ClinVar (database versions not stated): gnomAD exomes 0.00001; ExAC 0.00002; TOPMed 0.00002.
gnomAD v4.1: 7 of 1,614,244 alleles (0.00043%); highest among the groups gnomAD compares: East Asian, 0.016%; no homozygotes.

Submissions (2):

Fulgent Genetics
Classification: Uncertain significance for Alstrom syndrome. Last evaluated: 2022-01-27. Review status: criteria provided, single submitter. Criteria: ACMG Guidelines, 2015. Collection method: clinical testing. Allele origin: unknown.

Labcorp Genetics (formerly Invitae), Labcorp
Classification: Uncertain significance for Alstrom syndrome. Last evaluated: 2021-12-06. Review status: criteria provided, single submitter. Criteria: Invitae Variant Classification Sherloc (09022015). Collection method: clinical testing. Allele origin: germline.
Comment: This sequence change replaces leucine, which is neutral and non-polar, with valine, which is neutral and non-polar, at codon 3031 of the ALMS1 protein (p.Leu3031Val). This variant is present in population databases (rs754181473, gnomAD 0.02%). This variant has not been reported in the literature in individuals affected with ALMS1-related conditions. Experimental studies and prediction algorithms are not available or were not evaluated, and the functional significance of this variant is currently unknown. In summary, the available evidence is currently insufficient to determine the role of this variant in disease. Therefore, it has been classified as a Variant of Uncertain Significance.

NM_001378454.1(ALMS1):c.9088T>G (p.Leu3030Val)

Gene: ALMS1 (ALMS1 centrosome and basal body associated protein; plus strand). Cytogenetic location: 2p13.1.
Variant type: single nucleotide variant.
Coding change: c.9088T>G on transcript NM_001378454.1 (MANE Select); coding-DNA position 9088, T replaced by G.
Protein change: p.Leu3030Val; replaces leucine 3030 with valine.
Molecular consequence: missense variant.
Genome position (GRCh38, 1-based): chr2:73,491,047, T>G. VCF-style: chr2-73491047-T-G. GRCh37 (hg19) VCF-style: chr2-73718174-T-G.
Other names: c.9091T>G, p.Leu3031Val (NM_015120.4); short protein forms L3031V, L3030V.
Identifiers: ClinVar variation 1424317 (VCV001424317.4), dbSNP rs754181473, ClinGen allele CA1714601.
Genomic context (GRCh38, chr2:73,491,047, plus strand): 5'-ATAAATGTTGAAGCCAAGTTCAATACTGTGGTCTCCCAGTCAGCCCCAAATCACTGTACA[T>G]TAGCAGCATCTGCATCTACTCCTCCTTCAAATAGAAAAGCACTTTCTTGTGTTCATATAA-3'
Protein context (NP_001365383.1, residues 3020-3040): VSQSAPNHCT[Leu3030Val]AASASTPPSN